The following is an entry in ClinVar:

ClinVar aggregate classification (germline): Uncertain significance (1 of 4 stars; one submission).

Allele frequency attached by ClinVar (database versions not stated): gnomAD exomes below 0.00001; ExAC 0.00001; TOPMed 0.00001.

Submission:

Labcorp Genetics (formerly Invitae), Labcorp
Classification: Uncertain significance. Last evaluated: 2020-08-25. Review status: criteria provided, single submitter. Criteria: Invitae Variant Classification Sherloc (09022015). Collection method: clinical testing. Allele origin: germline.
Comment: In summary, the available evidence is currently insufficient to determine the role of this variant in disease. Therefore, it has been classified as a Variant of Uncertain Significance. Algorithms developed to predict the effect of missense changes on protein structure and function are either unavailable or do not agree on the potential impact of this missense change (SIFT: "Not Available"; PolyPhen-2: "Probably Damaging"; Align-GVGD: "Not Available"). This variant has not been reported in the literature in individuals with USH1G-related conditions. This variant is present in population databases (rs759026779, ExAC 0.01%). This sequence change replaces leucine with phenylalanine at codon 127 of the USH1G protein (p.Leu127Phe). The leucine residue is highly conserved and there is a small physicochemical difference between leucine and phenylalanine.

NM_173477.5(USH1G):c.379C>T (p.Leu127Phe)

Gene: USH1G (USH1 protein network component sans; minus strand). Cytogenetic location: 17q25.1.
Variant type: single nucleotide variant.
Coding change: c.379C>T on transcript NM_173477.5 (MANE Select); coding-DNA position 379, C replaced by T.
Protein change: p.Leu127Phe; replaces leucine 127 with phenylalanine.
Molecular consequence: missense variant.
Genome position (GRCh38, 1-based): chr17:74,920,457, G>A on the plus strand (C>T on the coding strand, the complement: USH1G is on the minus strand). VCF-style: chr17-74920457-G-A. GRCh37 (hg19) VCF-style: chr17-72916552-G-A.
Other names: c.70C>T, p.Leu24Phe (NM_001282489.3); short protein forms L127F, L24F.
Identifiers: ClinVar variation 1062823 (VCV001062823.7), dbSNP rs759026779, ClinGen allele CA8754088.
Genomic context (GRCh38, chr17:74,920,457, plus strand): 5'-TGCGCCGCTCCGCCTCGCGGAAGGCCTTGTCCTTCAGCTTACCCACCAGCTTGGGGTTGA[G>A]GCTGCTCTGCTTGGCCGCGATGGAGTCCAGGTAGCGCACGCATTCCATGTGGCCCTTCAT-3'
Protein context (NP_775748.2, residues 117-137): LDSIAAKQSS[Leu127Phe]NPKLVGKLKD